The following is an entry in ClinVar:

ClinVar aggregate classification (germline): Uncertain significance (1 of 4 stars; one submission).

Conditions:
Immunodeficiency-centromeric instability-facial anomalies syndrome 2 (ICF2). Identifiers: Orphanet 2268, MedGen C3279748, MONDO:0013553, OMIM 614069.

Allele frequency attached by ClinVar (database versions not stated): ExAC 0.00002.

Submission:

Center for Genomics, Ann and Robert H. Lurie Children's Hospital of Chicago
Classification: Uncertain significance for Immunodeficiency-centromeric instability-facial anomalies syndrome 2. Last evaluated: 2021-05-21. Review status: criteria provided, single submitter. Criteria: ACMG Guidelines, 2015. Collection method: clinical testing. Allele origin: germline.
Comment: ZBTB24 NM_014797.2 p.Ser528Asn (c.1583G>A): This variant has not been reported in the literature and is not present in large control databases. This variant amino acid Asparagine (Asn) is present in >20 species including mammals and is not well conserved among evolutionarily distant species; this suggests that this variant may not impact the protein. Additional computational prediction tools do not suggest an impact. In summary, data on this variant is insufficient for disease classification. Therefore, the clinical significance of this variant is uncertain.

NM_014797.3(ZBTB24):c.1583G>A (p.Ser528Asn)

Gene: ZBTB24 (zinc finger and BTB domain containing 24; minus strand). Cytogenetic location: 6q21.
Variant type: single nucleotide variant.
Coding change: c.1583G>A on transcript NM_014797.3 (MANE Select); coding-DNA position 1583, G replaced by A.
Protein change: p.Ser528Asn; replaces serine 528 with asparagine.
Molecular consequence: missense variant.
Genome position (GRCh38, 1-based): chr6:109,466,362, C>T on the plus strand (G>A on the coding strand, the complement: ZBTB24 is on the minus strand). VCF-style: chr6-109466362-C-T. GRCh37 (hg19) VCF-style: chr6-109787565-C-T.
Other names: short protein forms S528N.
Identifiers: ClinVar variation 1675153 (VCV001675153.1), dbSNP rs768489629, ClinGen allele CA3954052.